The following is an entry in ClinVar:

ClinVar aggregate classification (germline): Likely pathogenic. Review status: criteria provided, multiple submitters, no conflicts (2 of 4 stars). 2 submissions from 2 submitters: Likely pathogenic (2). Last evaluated 2023-10-04.

Conditions:
Danon disease. Also called: ANTOPOL DISEASE; PSEUDOGLYCOGENOSIS II; GSD IIb; LYSOSOMAL GLYCOGEN STORAGE DISEASE WITHOUT ACID MALTASE DEFICIENCY; Glycogen Storage Disease Type IIb. Identifiers: Orphanet 34587, MedGen C0878677, MONDO:0010281, OMIM 300257.

Submissions (2):

Revvity Omics, Revvity
Classification: Likely pathogenic for Danon disease. Last evaluated: 2023-10-04. Review status: criteria provided, single submitter. Criteria: ACMG Guidelines, 2015. Collection method: clinical testing. Allele origin: germline.

Laboratory for Molecular Medicine, Mass General Brigham Personalized Medicine
Classification: Likely pathogenic for Danon disease. Last evaluated: 2018-05-02. Review status: criteria provided, single submitter. Criteria: LMM Criteria. Collection method: clinical testing. Allele origin: germline. Observed: 1 variant allele.
Comment: The p.Tyr304X variant in LAMP2 has not been previously reported in individuals w ith cardiomyopathy or Danon disease and was absent from large population studies . This nonsense variant leads to a premature termination codon at position 304, which is predicted to lead to a truncated or absent protein. Nonsense and other loss of function variants in LAMP2 are associated with Danon disease. In summary , although additional studies are required to fully establish its clinical signi ficance, the p.Tyr304X variant is likely pathogenic. ACMG/AMP Criteria applied: PVS1; PM2.

NM_002294.3(LAMP2):c.912T>G (p.Tyr304Ter)

Gene: LAMP2 (lysosome associated membrane protein 2; minus strand). Cytogenetic location: Xq24.
Variant type: single nucleotide variant.
Coding change: c.912T>G on transcript NM_002294.3 (MANE Select); coding-DNA position 912, T replaced by G.
Protein change: p.Tyr304Ter; replaces tyrosine 304 with a stop codon.
Molecular consequence: nonsense.
Genome position (GRCh38, 1-based): chrX:120,442,615, A>C on the plus strand (T>G on the coding strand, the complement: LAMP2 is on the minus strand). VCF-style: chrX-120442615-A-C. GRCh37 (hg19) VCF-style: chrX-119576470-A-C.
Other names: c.912T>G, p.Tyr304Ter (NM_001122606.1, NM_013995.2); short protein forms Y304*.
Identifiers: ClinVar variation 228269 (VCV000228269.5), dbSNP rs876657648, ClinGen allele CA10577158.